The following is an entry in ClinVar:

NM_002240.5(KCNJ6):c.181G>T (p.Gly61Ter)

Genes: KCNJ6 (potassium inwardly rectifying channel subfamily J member 6; minus strand), KCNJ6-AS1 (KCNJ6 antisense RNA 1; plus strand). Cytogenetic location: 21q22.13.
Variant type: single nucleotide variant.
Coding change: c.181G>T on transcript NM_002240.5 (MANE Select); coding-DNA position 181, G replaced by T.
Protein change: p.Gly61Ter; replaces glycine 61 with a stop codon.
Molecular consequence: nonsense. On other transcripts: non-coding transcript variant (1).
Genome position (GRCh38, 1-based): chr21:37,714,976, C>A on the plus strand (G>T on the coding strand, the complement: KCNJ6 is on the minus strand). VCF-style: chr21-37714976-C-A. GRCh37 (hg19) VCF-style: chr21-39087279-C-A.
Other names: short protein forms G61*.
Identifiers: ClinVar variation 3367306 (VCV003367306.1).

ClinVar aggregate classification (germline): Uncertain significance (1 of 4 stars; one submission).

Submission:

GeneDx
Classification: Uncertain significance. Last evaluated: 2023-12-29. Review status: criteria provided, single submitter. Criteria: GeneDx Variant Classification Process June 2021. Collection method: clinical testing. Allele origin: germline. Affected: yes.
Comment: Not observed at significant frequency in large population cohorts (gnomAD); Nonsense variant predicted to result in protein truncation or nonsense mediated decay in a gene or region of a gene for which loss of function is not a well-established mechanism of disease; Has not been previously published as pathogenic or benign to our knowledge